The following is an entry in ClinVar:

ClinVar aggregate classification (germline): Likely benign. Review status: criteria provided, multiple submitters, no conflicts (2 of 4 stars). 2 submissions from 2 submitters: Likely benign (2). Last evaluated 2025-10-02.

Conditions:
MICU1-related disorder. Also called: MICU1-related condition.

Allele frequency attached by ClinVar (database versions not stated): ExAC 0.00003; TOPMed 0.00003; gnomAD exomes 0.00004.

Submissions (2):

Labcorp Genetics (formerly Invitae), Labcorp
Classification: Likely benign. Last evaluated: 2025-10-02. Review status: criteria provided, single submitter. Criteria: Invitae Variant Classification Sherloc (09022015). Collection method: clinical testing. Allele origin: germline.

PreventionGenetics, part of Exact Sciences
Classification: Likely benign for MICU1-related condition. Last evaluated: 2025-03-31. Review status: criteria provided, single submitter. Criteria: ACMG Guidelines, 2015. Collection method: clinical testing. Allele origin: germline.
Comment: This variant is classified as likely benign based on ACMG/AMP sequence variant interpretation guidelines (Richards et al. 2015 PMID: 25741868, with internal and published modifications).

NM_001195518.2(MICU1):c.1278C>A (p.Gly426=)

Gene: MICU1 (mitochondrial calcium uptake 1; minus strand). Cytogenetic location: 10q22.1.
Variant type: single nucleotide variant.
Coding change: c.1278C>A on transcript NM_001195518.2 (MANE Select); coding-DNA position 1278, C replaced by A.
Protein change: p.Gly426=; no amino-acid change (glycine 426 retained).
Molecular consequence: synonymous variant.
Genome position (GRCh38, 1-based): chr10:72,368,348, G>T on the plus strand (C>A on the coding strand, the complement: MICU1 is on the minus strand). VCF-style: chr10-72368348-G-T. GRCh37 (hg19) VCF-style: chr10-74128106-G-T.
Other names: c.684C>A, p.Gly228= (NM_001195519.2); c.1296C>A, p.Gly432= (NM_001363513.2); c.1284C>A, p.Gly428= (NM_006077.4); c.1278C>A (NM_001195518.1).
Identifiers: ClinVar variation 1615148 (VCV001615148.9), dbSNP rs751988387, ClinGen allele CA5550001.
Genomic context (GRCh38, chr10:72,368,348, plus strand): 5'-TTCCAGGCCTCTCATCAGCCGTTGCTTCATGATGGAAACAAATTCCTTATTGCTCAGTTC[G>T]CCATTGCCTAGAGGAAGAGGCAAAAACAACAGGGATAAGTGTTGGCCTTGGAACAACACC-3'
Protein context (NP_001182447.1, residues 416-436): VFALFDCDGN[Gly426=]ELSNKEFVSI